The following is an entry in ClinVar:

ClinVar aggregate classification (germline): Conflicting classifications of pathogenicity. Review status: criteria provided, conflicting classifications (1 of 4 stars). 5 submissions from 5 submitters: Uncertain significance (1); Benign (1); Likely benign (3). Last evaluated 2026-04-01.

Allele frequency attached by ClinVar (database versions not stated): ExAC 0.00003; gnomAD exomes 0.00007 and 0.00013; TOPMed 0.00011; 1000 Genomes Project 30x 0.00016; gnomAD 0.00016; 1000 Genomes Project 0.00020; ESP Exome Variant Server 0.00023.
gnomAD v4.1: 203 of 1,554,954 alleles (0.013%); highest among the groups gnomAD compares: Non-Finnish European, 0.017%; no homozygotes.

Submissions (5):

CeGaT Center for Human Genetics Tuebingen
Classification: Likely benign. Last evaluated: 2026-04-01. Review status: criteria provided, single submitter. Criteria: CeGaT Center For Human Genetics Tuebingen Variant Classification Criteria Version 2. Collection method: clinical testing. Allele origin: germline. Affected: yes. Observed: 2 variant alleles.
Comment: HACE1: BP4

Mayo Clinic Laboratories, Mayo Clinic
Classification: Likely benign. Last evaluated: 2025-08-25. Review status: criteria provided, single submitter. Criteria: ACMG Guidelines, 2015. Collection method: clinical testing. Allele origin: germline. Observed: 1 variant allele.
Comment: BP4, BP7

Laboratory of Genetics, Children's Clinical University Hospital Latvia
Classification: Benign. Last evaluated: 2025-02-16. Review status: criteria provided, single submitter. Criteria: ACMG Guidelines, 2015. Collection method: clinical testing. Allele origin: germline. Affected: yes.

Blueprint Genetics
Classification: Likely benign. Last evaluated: 2024-08-22. Review status: criteria provided, single submitter. Criteria: ACMG Guidelines, 2015. Collection method: clinical testing. Allele origin: germline.

Labcorp Genetics (formerly Invitae), Labcorp
Classification: Uncertain significance. Last evaluated: 2022-05-18. Review status: criteria provided, single submitter. Criteria: Invitae Variant Classification Sherloc (09022015). Collection method: clinical testing. Allele origin: germline.
Comment: This sequence change falls in intron 11 of the HACE1 gene. It does not directly change the encoded amino acid sequence of the HACE1 protein. It affects a nucleotide within the consensus splice site. This variant is present in population databases (rs202110306, gnomAD 0.01%). This variant has not been reported in the literature in individuals affected with HACE1-related conditions. Variants that disrupt the consensus splice site are a relatively common cause of aberrant splicing (PMID: 17576681, 9536098). Algorithms developed to predict the effect of sequence changes on RNA splicing suggest that this variant is not likely to affect RNA splicing. In summary, the available evidence is currently insufficient to determine the role of this variant in disease. Therefore, it has been classified as a Variant of Uncertain Significance.

Literature cited by the submitters: PubMed 17576681 (cited by Labcorp Genetics (formerly Invitae), Labcorp); PubMed 9536098 (cited by Labcorp Genetics (formerly Invitae), Labcorp).

NM_020771.4(HACE1):c.1075-3C>T

Gene: HACE1 (HECT domain and ankyrin repeat containing E3 ubiquitin protein ligase 1; minus strand). Cytogenetic location: 6q16.3.
Variant type: single nucleotide variant.
Coding change: c.1075-3C>T on transcript NM_020771.4 (MANE Select); 3 bases into the intron before coding-DNA position 1075, C replaced by T.
Molecular consequence: intron variant.
Genome position (GRCh38, 1-based): chr6:104,785,322, G>A on the plus strand (C>T on the coding strand, the complement: HACE1 is on the minus strand). VCF-style: chr6-104785322-G-A. GRCh37 (hg19) VCF-style: chr6-105233197-G-A.
Other names: p.?; c.784-3C>T (NM_001350555.2); c.292-3C>T (NM_001350560.2); c.571-3C>T (NM_001350557.2, NM_001350558.2, NM_001321084.2); c.589-3C>T (NM_001350556.2); c.493-3C>T (NM_001350559.2); c.943-3C>T (NM_001321080.2); c.841-3C>T (NM_001350554.2); and 1 more.
Identifiers: ClinVar variation 1368395 (VCV001368395.29), dbSNP rs202110306, ClinGen allele CA3940320.